The following is an entry in ClinVar:

ClinVar aggregate classification (germline): Uncertain significance (1 of 4 stars; one submission).

Conditions:
Hereditary cancer-predisposing syndrome. Also called: Neoplastic Syndromes, Hereditary; Tumor predisposition; Hereditary neoplastic syndrome; Hereditary Cancer Syndrome. Identifiers: Orphanet 140162, MedGen C0027672, MeSH D009386, MONDO:0015356.

Submission:

Ambry Genetics
Classification: Uncertain significance for Hereditary cancer-predisposing syndrome. Last evaluated: 2025-04-07. Review status: criteria provided, single submitter. Criteria: Ambry Variant Classification Scheme 2023. Collection method: clinical testing. Allele origin: germline.
Comment: The p.D578V variant (also known as c.1733A>T), located in coding exon 11 of the RAD50 gene, results from an A to T substitution at nucleotide position 1733. The aspartic acid at codon 578 is replaced by valine, an amino acid with highly dissimilar properties. This amino acid position is conserved. In addition, the in silico prediction for this alteration is inconclusive. Since supporting evidence is limited at this time, the clinical significance of this alteration remains unclear.

NM_005732.4(RAD50):c.1733A>T (p.Asp578Val)

Gene: RAD50 (RAD50 double strand break repair protein; plus strand). Cytogenetic location: 5q31.1.
Variant type: single nucleotide variant.
Coding change: c.1733A>T on transcript NM_005732.4 (MANE Select); coding-DNA position 1733, A replaced by T.
Protein change: p.Asp578Val; replaces aspartic acid 578 with valine.
Molecular consequence: missense variant.
Genome position (GRCh38, 1-based): chr5:132,591,974, A>T. VCF-style: chr5-132591974-A-T. GRCh37 (hg19) VCF-style: chr5-131927666-A-T.
Other names: short protein forms D578V.
Identifiers: ClinVar variation 2451417 (VCV002451417.3), dbSNP rs2479643702, ClinGen allele CA360946539.